The following is an entry in ClinVar:

NM_020810.3(TRMT5):c.1299A>C (p.Gln433His)

Gene: TRMT5 (tRNA methyltransferase 5; minus strand). Cytogenetic location: 14q23.1.
Variant type: single nucleotide variant.
Coding change: c.1299A>C on transcript NM_020810.3 (MANE Select); coding-DNA position 1299, A replaced by C.
Protein change: p.Gln433His; replaces glutamine 433 with histidine.
Molecular consequence: missense variant.
Genome position (GRCh38, 1-based): chr14:60,975,620, T>G on the plus strand (A>C on the coding strand, the complement: TRMT5 is on the minus strand). VCF-style: chr14-60975620-T-G. GRCh37 (hg19) VCF-style: chr14-61442338-T-G.
Other names: c.1383A>C, p.Gln461His (NM_001350253.1); c.1380A>C, p.Gln460His (NM_001350254.1); short protein forms Q433H, Q460H, Q461H.
Identifiers: ClinVar variation 1921822 (VCV001921822.5), dbSNP rs1167015323, ClinGen allele CA389918977.
Genomic context (GRCh38, chr14:60,975,620, plus strand): 5'-TCTTACCAGGTGAACTGAACTGCATGCCTCCAGAGAAATGCCTAACACAGCTCCAGCCCT[T>G]TGCCGAACATCCTCAGCAGGGTTAGCATCTTTGGAAAAGCTATAACAATGCACTATGGGA-3'
Protein context (NP_065861.3, residues 423-443): KDANPAEDVR[Gln433His]RAGAVLGISL

ClinVar aggregate classification (germline): Uncertain significance (1 of 4 stars; one submission).

Allele frequency attached by ClinVar (database versions not stated): gnomAD exomes below 0.00001.
gnomAD v4.1: 2 of 1,614,162 alleles (0.00012%); highest among the groups gnomAD compares: Admixed American, 0.0033%; no homozygotes.

Submission:

Labcorp Genetics (formerly Invitae), Labcorp
Classification: Uncertain significance. Last evaluated: 2021-12-27. Review status: criteria provided, single submitter. Criteria: Invitae Variant Classification Sherloc (09022015). Collection method: clinical testing. Allele origin: germline.
Comment: This variant is present in population databases (no rsID available, gnomAD 0.003%). This variant has not been reported in the literature in individuals affected with TRMT5-related conditions. Algorithms developed to predict the effect of missense changes on protein structure and function are either unavailable or do not agree on the potential impact of this missense change (SIFT: "Deleterious"; PolyPhen-2: "Benign"; Align-GVGD: "Class C0"). In summary, the available evidence is currently insufficient to determine the role of this variant in disease. Therefore, it has been classified as a Variant of Uncertain Significance. This sequence change replaces glutamine, which is neutral and polar, with histidine, which is basic and polar, at codon 433 of the TRMT5 protein (p.Gln433His).